The following is an entry in ClinVar:

NM_206933.4(USH2A):c.2733del (p.Ile912fs)

Genes: USH2A (usherin; minus strand), LOC122152296 (Sharpr-MPRA regulatory region 8762; plus strand). Cytogenetic location: 1q41.
Variant type: Deletion.
Coding change: c.2733del on transcript NM_206933.4 (MANE Select); coding-DNA position 2733, one base deleted (C; older notation c.2733delC).
Protein change: p.Ile912fs; shifts the reading frame from isoleucine 912.
Molecular consequence: frameshift variant.
Genome position (GRCh38, 1-based): chr1:216,246,661, G deleted on the plus strand (C on the coding strand, the reverse complement: USH2A is on the minus strand); the first of 2 consecutive G bases (chr1:216,246,661-216,246,662); deleting either gives the same sequence. VCF-style (leftmost placement, unchanged base first): chr1-216246660-TG-T. GRCh37 (hg19) VCF-style: chr1-216420002-TG-T.
Other names: c.2733del (NM_206933.2); c.2733del, p.Ile912fs (NM_007123.6); short protein forms I912fs.
Identifiers: ClinVar variation 2771001 (VCV002771001.4), dbSNP rs2528161379, ClinGen allele CA2697554931.

ClinVar aggregate classification (germline): Pathogenic/Likely pathogenic. Review status: criteria provided, multiple submitters, no conflicts (2 of 4 stars). 2 submissions from 2 submitters: Pathogenic (1); Likely pathogenic (1). Last evaluated 2024-08-30.

Conditions:
Usher syndrome type 2A. Also called: RETINAL DISEASE IN USHER SYNDROME TYPE IIA, MODIFIER OF; USHER SYNDROME, TYPE IIA. Identifiers: Orphanet 231178, Orphanet 886, MedGen C1848634, MONDO:0010169, OMIM 276901.

Submissions (2):

Natera, Inc.
Classification: Likely pathogenic for Usher syndrome type 2A. Last evaluated: 2024-08-30. Review status: criteria provided, single submitter. Criteria: Natera Variant Classification Schema (03/2026). Collection method: clinical testing. Allele origin: germline.
Comment: The c.2733del variant in USH2A is a frameshift variant predicted to shift the reading frame beginning at codon 912 and leads to a stop codon 55 codons downstream. This variant is expected to result in nonsense mediated decay, truncation, or a dysfunctional protein product. This variant is rare in the general population with a frequency below the threshold expected for the associated phenotype(s). Given the available evidence, this variant is classified as Likely Pathogenic.

Labcorp Genetics (formerly Invitae), Labcorp
Classification: Pathogenic. Last evaluated: 2023-10-22. Review status: criteria provided, single submitter. Criteria: Invitae Variant Classification Sherloc (09022015). Collection method: clinical testing. Allele origin: germline.
Comment: This sequence change creates a premature translational stop signal (p.Ile912Phefs*55) in the USH2A gene. It is expected to result in an absent or disrupted protein product. Loss-of-function variants in USH2A are known to be pathogenic (PMID: 10729113, 10909849, 20507924, 25649381). This variant is not present in population databases (gnomAD no frequency). This variant has not been reported in the literature in individuals affected with USH2A-related conditions. For these reasons, this variant has been classified as Pathogenic.

Literature cited by the submitters: PubMed 10729113 (cited by Labcorp Genetics (formerly Invitae), Labcorp); PubMed 10909849 (cited by Labcorp Genetics (formerly Invitae), Labcorp); PubMed 20507924 (cited by Labcorp Genetics (formerly Invitae), Labcorp); PubMed 25649381 (cited by Labcorp Genetics (formerly Invitae), Labcorp).